The following is an entry in ClinVar:

ClinVar aggregate classification (germline): Benign/Likely benign. Review status: criteria provided, multiple submitters, no conflicts (2 of 4 stars). 4 submissions from 4 submitters: Benign (2); Likely benign (1). 1 of the submissions does not count toward it. Last evaluated 2026-01-27.

Conditions:
Maple syrup urine disease type 1B (MSUD1B). Also called: MSUD type IB; MSUD type 3 (formerly); MSUD due to deficiency of e1-beta subunit of branched-chain alpha-keto acid dehydrogenase complex. Identifiers: MedGen C2930990, MONDO:0023692, OMIM 620698.
Maple syrup urine disease (MSUD). Identifiers: Orphanet 511, MedGen C0024776, MeSH D008375, MONDO:0009563. Disease mechanism: loss of function.

Allele frequency attached by ClinVar (database versions not stated): TOPMed 0.00413; 1000 Genomes Project 0.00499; 1000 Genomes Project 30x 0.00562; gnomAD exomes 0.00039 and 0.00086; ExAC 0.00155; ESP Exome Variant Server 0.00259; gnomAD 0.00366 and 0.00394.
gnomAD v4.1: 1,176 of 1,608,842 alleles (0.073%); highest among the groups gnomAD compares: African/African-American, 1.3%; 7 homozygotes.

Submissions (4):

Labcorp Genetics (formerly Invitae), Labcorp
Classification: Benign for Maple syrup urine disease. Last evaluated: 2026-01-27. Review status: criteria provided, single submitter. Criteria: Invitae Variant Classification Sherloc (09022015). Collection method: clinical testing. Allele origin: germline.

Blueprint Genetics
Classification: Likely benign. Last evaluated: 2024-11-13. Review status: criteria provided, single submitter. Criteria: ACMG Guidelines, 2015. Collection method: clinical testing. Allele origin: germline.

GeneDx
Classification: Benign. Last evaluated: 2018-02-21. Review status: criteria provided, single submitter. Criteria: GeneDx Variant Classification (06012015). Collection method: clinical testing. Allele origin: germline. Affected: yes.
Comment: This variant is considered likely benign or benign based on one or more of the following criteria: it is a conservative change, it occurs at a poorly conserved position in the protein, it is predicted to be benign by multiple in silico algorithms, and/or has population frequency not consistent with disease.

Natera, Inc.
Classification: Benign for Maple syrup urine disease type 1B. Last evaluated: 2020-09-16. Review status: no assertion criteria provided. Collection method: clinical testing. Allele origin: germline. Not counted in ClinVar's aggregate classification.

NM_183050.4(BCKDHB):c.122C>T (p.Thr41Ile)

Gene: BCKDHB (branched chain keto acid dehydrogenase E1 subunit beta; plus strand). Cytogenetic location: 6q14.1.
Variant type: single nucleotide variant.
Coding change: c.122C>T on transcript NM_183050.4 (MANE Select); coding-DNA position 122, C replaced by T.
Protein change: p.Thr41Ile; replaces threonine 41 with isoleucine.
Molecular consequence: missense variant. On other transcripts: non-coding transcript variant (1), intron variant (1).
Genome position (GRCh38, 1-based): chr6:80,106,815, C>T. VCF-style: chr6-80106815-C-T. GRCh37 (hg19) VCF-style: chr6-80816532-C-T.
Other names: c.122C>T, p.Thr41Ile (NM_000056.5); c.-15+132C>T (NM_001318975.1); short protein forms T41I.
Identifiers: ClinVar variation 377557 (VCV000377557.15), dbSNP rs35470366, ClinGen allele CA3902503.
Genomic context (GRCh38, chr6:80,106,815, plus strand): 5'-GGCACTGGCGTCGGCTTCCTGGCGCGGGGCTGGCGCGGGGCTTTTTGCACCCCGCCGCGA[C>T]TGTCGAGGATGCGGCCCAGAGGCGGCAGGTGGCTCATTTTACTTTCCAGCCAGATCCGGA-3'
Protein context (NP_898871.1, residues 31-51): LARGFLHPAA[Thr41Ile]VEDAAQRRQV